The following is an entry in ClinVar:

ClinVar aggregate classification (germline): Pathogenic. Review status: criteria provided, multiple submitters, no conflicts (2 of 4 stars). 2 submissions from 2 submitters: Pathogenic (2). Last evaluated 2019-08-06.

Conditions:
Arrhythmogenic cardiomyopathy with wooly hair and keratoderma. Also called: Carvajal syndrome; PALMOPLANTAR KERATODERMA WITH LEFT VENTRICULAR CARDIOMYOPATHY AND WOOLLY HAIR; Arrhythmogenic cardiomyopathy with woolly hair and keratoderma; Dilated cardiomyopathy with woolly hair and keratoderma. Identifiers: Orphanet 65282, MedGen C1854063, MONDO:0011581, OMIM 605676.
Arrhythmogenic right ventricular dysplasia 8 (ARVD8). Also called: Arrhythmogenic Right Ventricular Dysplasia/Cardiomyopathy 8; ARRHYTHMOGENIC RIGHT VENTRICULAR DYSPLASIA, FAMILIAL, 8; ARRHYTHMOGENIC RIGHT VENTRICULAR CARDIOMYOPATHY 8. Identifiers: MedGen C1843896, MONDO:0011831, OMIM 607450.

Submissions (2):

Labcorp Genetics (formerly Invitae), Labcorp
Classification: Pathogenic for Arrhythmogenic cardiomyopathy with wooly hair and keratoderma; Arrhythmogenic right ventricular dysplasia 8. Last evaluated: 2019-08-06. Review status: criteria provided, single submitter. Criteria: Invitae Variant Classification Sherloc (09022015). Collection method: clinical testing. Allele origin: germline.
Comment: This sequence change creates a premature translational stop signal (p.Tyr1139Glyfs*10) in the DSP gene. It is expected to result in an absent or disrupted protein product. This variant is not present in population databases (ExAC no frequency). This variant has not been reported in the literature in individuals with DSP-related conditions. Loss-of-function variants in DSP are known to be pathogenic (PMID: 20716751, 24503780, 25227139). For these reasons, this variant has been classified as Pathogenic.

GeneDx
Classification: Pathogenic. Last evaluated: 2017-01-20. Review status: criteria provided, single submitter. Criteria: GeneDx Variant Classification (06012015). Collection method: clinical testing. Allele origin: germline. Affected: yes.
Comment: Although the c.3415_3417delTATinsG pathogenic variant in the DSP gene has not been reported to our knowledge, this variant causes a shift in reading frame starting at codon Tyrosine 1139, changing it to a Glycine, and creating a premature stop codon at position 10 of the new reading frame, denoted p.Tyr1139GlyfsX10. This likely pathogenic variant is expected to result in either an abnormal, truncated protein product or loss of protein from this allele through nonsense-mediated mRNA decay. Other frameshift variants in the DSP gene have been reported in HGMD in association with DSP-related disorders, including ARVC (Stenson et al., 2014). Furthermore, the c.3415_3417delTATinsG variant was not observed in approximately 6,500 individuals of European and African American ancestry in the NHLBI Exome Sequencing Project, indicating it is not a common benign variant in these populations.

Literature cited by the submitters: PubMed 20716751 (cited by Labcorp Genetics (formerly Invitae), Labcorp); PubMed 24503780 (cited by Labcorp Genetics (formerly Invitae), Labcorp); PubMed 25227139 (cited by Labcorp Genetics (formerly Invitae), Labcorp).

NM_004415.4(DSP):c.3415_3417delinsG (p.Tyr1139fs)

Gene: DSP (desmoplakin; plus strand). Cytogenetic location: 6p24.3.
Variant type: Indel.
Coding change: c.3415_3417delinsG on transcript NM_004415.4 (MANE Select); coding-DNA positions 3415 to 3417, TAT replaced by G.
Protein change: p.Tyr1139fs; shifts the reading frame from tyrosine 1139.
Molecular consequence: frameshift variant.
Genome position (GRCh38, 1-based): chr6:7,579,605-7,579,607, TAT replaced by G. VCF-style: chr6-7579605-TAT-G. GRCh37 (hg19) VCF-style: chr6-7579838-TAT-G.
Other names: c.3415_3417delinsG, p.Tyr1139fs (NM_001008844.3, NM_001319034.2); c.3415_3417delTATinsG (LRG_423t1); c.3415_3417delinsG (NM_004415.2); short protein forms Y1139fs.
Identifiers: ClinVar variation 420657 (VCV000420657.5), dbSNP rs1064794616, ClinGen allele CA16618323.